The following is an entry in ClinVar:

ClinVar aggregate classification (germline): Uncertain significance. Review status: criteria provided, multiple submitters, no conflicts (2 of 4 stars). 4 submissions from 4 submitters: Uncertain significance (2). 2 of the submissions do not count toward it. Last evaluated 2022-02-10.

Conditions:
Meckel-Gruber syndrome. Also called: DYSENCEPHALIA SPLANCHNOCYSTICA; GRUBER SYNDROME; Dysencephalia splachnocystica. Identifiers: Orphanet 564, MedGen C0265215, MONDO:0018921.
Joubert syndrome. Also called: JOUBERT-BOLTSHAUSER SYNDROME; Familial aplasia of the vermis. Identifiers: Orphanet 475, MedGen C5979921, MONDO:0018772.
COACH syndrome 3. Identifiers: MedGen C5436841, MONDO:0030862, OMIM 619113.
Joubert syndrome 7 (JBTS7). Identifiers: Orphanet 220497, MedGen C1969053, MONDO:0012694, OMIM 611560.
Meckel syndrome, type 5 (MKS5). Identifiers: Orphanet 564, MedGen C1969052, MONDO:0012695, OMIM 611561.
RPGRIP1L-related disorder. Also called: RPGRIP1L-related disorders; RPGRIP1L-related condition. Identifiers: MedGen CN239416.

Allele frequency attached by ClinVar (database versions not stated): gnomAD exomes 0.00002 and 0.00005; TOPMed 0.00001; ExAC 0.00003; gnomAD 0.00001.
gnomAD v4.1: 26 of 1,603,104 alleles (0.0016%); highest among the groups gnomAD compares: Non-Finnish European, 0.002%; no homozygotes.

Submissions (4):

Labcorp Genetics (formerly Invitae), Labcorp
Classification: Uncertain significance for Joubert syndrome; Meckel-Gruber syndrome. Last evaluated: 2022-02-10. Review status: criteria provided, single submitter. Criteria: Invitae Variant Classification Sherloc (09022015). Collection method: clinical testing. Allele origin: germline.
Comment: This sequence change replaces lysine, which is basic and polar, with asparagine, which is neutral and polar, at codon 443 of the RPGRIP1L protein (p.Lys443Asn). This variant is present in population databases (rs777834264, gnomAD 0.009%). This variant has not been reported in the literature in individuals affected with RPGRIP1L-related conditions. ClinVar contains an entry for this variant (Variation ID: 969822). Algorithms developed to predict the effect of missense changes on protein structure and function output the following: SIFT: "Tolerated"; PolyPhen-2: "Benign"; Align-GVGD: "Class C0". The asparagine amino acid residue is found in multiple mammalian species, which suggests that this missense change does not adversely affect protein function. In summary, the available evidence is currently insufficient to determine the role of this variant in disease. Therefore, it has been classified as a Variant of Uncertain Significance.

Fulgent Genetics
Classification: Uncertain significance for Joubert syndrome 7; Meckel syndrome, type 5; COACH syndrome 3. Last evaluated: 2022-01-03. Review status: criteria provided, single submitter. Criteria: ACMG Guidelines, 2015. Collection method: clinical testing. Allele origin: unknown.

PreventionGenetics, part of Exact Sciences
Classification: Uncertain significance for RPGRIP1L-related condition. Last evaluated: 2024-07-10. Review status: no assertion criteria provided. Collection method: clinical testing. Allele origin: germline. Not counted in ClinVar's aggregate classification.
Comment: The RPGRIP1L c.1329A>C variant is predicted to result in the amino acid substitution p.Lys443Asn. To our knowledge, this variant has not been reported in the literature. This variant is reported in 0.0084% of alleles in individuals of European (Non-Finnish) descent in gnomAD. At this time, the clinical significance of this variant is uncertain due to the absence of conclusive functional and genetic evidence.

Natera, Inc.
Classification: Uncertain significance for Joubert syndrome. Last evaluated: 2020-03-12. Review status: no assertion criteria provided. Collection method: clinical testing. Allele origin: germline. Not counted in ClinVar's aggregate classification.

NM_015272.5(RPGRIP1L):c.1329A>C (p.Lys443Asn)

Gene: RPGRIP1L (RPGRIP1 like; minus strand). Cytogenetic location: 16q12.2.
Variant type: single nucleotide variant.
Coding change: c.1329A>C on transcript NM_015272.5 (MANE Select); coding-DNA position 1329, A replaced by C.
Protein change: p.Lys443Asn; replaces lysine 443 with asparagine.
Molecular consequence: missense variant.
Genome position (GRCh38, 1-based): chr16:53,658,793, T>G on the plus strand (A>C on the coding strand, the complement: RPGRIP1L is on the minus strand). VCF-style: chr16-53658793-T-G. GRCh37 (hg19) VCF-style: chr16-53692705-T-G.
Other names: c.1329A>C (NM_015272.4); c.1329A>C, p.Lys443Asn (NM_001127897.4, NM_001308334.3, NM_001330538.2); short protein forms K443N.
Identifiers: ClinVar variation 969822 (VCV000969822.6), dbSNP rs777834264, ClinGen allele CA8057851.